The following is an entry in ClinVar:

NM_002715.4(PPP2CA):c.257A>T (p.Tyr86Phe)

Gene: PPP2CA (protein phosphatase 2 catalytic subunit alpha; minus strand). Cytogenetic location: 5q31.1.
Variant type: single nucleotide variant.
Coding change: c.257A>T on transcript NM_002715.4 (MANE Select); coding-DNA position 257, A replaced by T.
Protein change: p.Tyr86Phe; replaces tyrosine 86 with phenylalanine.
Molecular consequence: missense variant. On other transcripts: non-coding transcript variant (1).
Genome position (GRCh38, 1-based): chr5:134,205,977, T>A on the plus strand (A>T on the coding strand, the complement: PPP2CA is on the minus strand). VCF-style: chr5-134205977-T-A. GRCh37 (hg19) VCF-style: chr5-133541668-T-A.
Other names: c.62A>T, p.Tyr21Phe (NM_001355019.2); short protein forms Y21F, Y86F.
Identifiers: ClinVar variation 2505820 (VCV002505820.2), dbSNP rs2481058256, ClinGen allele CA360994025.
Genomic context (GRCh38, chr5:134,205,977, plus strand): 5'-ATTACCTTAAGAGCTACAAGCAGTGTAACTGTTTCAACTGAATAATATCCTCTGTCAACA[T>A]AATCTCCCATAAACAAGTAATTTGTATCTGGTGATTTGCCACCAATTCTAAACAGTTCCA-3'
Protein context (NP_002706.1, residues 76-96): PDTNYLFMGD[Tyr86Phe]VDRGYYSVET

ClinVar aggregate classification (germline): Uncertain significance (1 of 4 stars; one submission).

Submission:

GeneDx
Classification: Uncertain significance. Last evaluated: 2025-02-19. Review status: criteria provided, single submitter. Criteria: GeneDx Variant Classification Process June 2021. Collection method: clinical testing. Allele origin: germline. Affected: yes.
Comment: Not observed at significant frequency in large population cohorts (gnomAD); In silico analysis supports that this missense variant has a deleterious effect on protein structure/function; Has not been previously published as pathogenic or benign to our knowledge